The following is an entry in ClinVar:

ClinVar aggregate classification (germline): Conflicting classifications of pathogenicity. Review status: criteria provided, conflicting classifications (1 of 4 stars). 3 submissions from 3 submitters: Uncertain significance (2); Benign (1). Last evaluated 2024-11-26.

Conditions:
TP63-Related Spectrum Disorders.
ADULT syndrome. Also called: ACRO-DERMATO-UNGUAL-LACRIMAL-TOOTH SYNDROME; Acro-dermato-ungual-lacrimal-tooth (adult) syndrome; Acro-Dermo-Ungual-Lacrimal-Tooth Syndrome (ADULT Syndrome). Identifiers: Orphanet 978, MedGen C1863204, MONDO:0007072, OMIM 103285.
Ankyloblepharon-ectodermal defects-cleft lip/palate syndrome. Also called: Hay-Wells syndrome of ectodermal dysplasia; AEC SYNDROME; HAY-WELLS SYNDROME; Ankyloblepharon-Ectodermal Defects-Cleft Lip/Palate Syndrome (AEC Syndrome); Ankyloblepharon-ectodermal defects, cleft lip/palate. Identifiers: Orphanet 1071, MedGen C0406709, MONDO:0007124, OMIM 106260.
Rapp-Hodgkin syndrome (RHS). Also called: ECTODERMAL DYSPLASIA, ANHIDROTIC, WITH CLEFT LIP/PALATE; Rapp-Hodgkin ectodermal dysplasia syndrome; Isolated Cleft Lip/Cleft Palate (Orofacial Cleft 8). Identifiers: MedGen C1785148, MONDO:0007508, OMIM 129400.
Split hand-foot malformation 4. Also called: Split-Hand/Foot Malformation Type 4 (SHFM4 syndrome); Split-Hand/Foot Malformation Type 4 (SHFM4). Identifiers: Orphanet 2440, MedGen C1854442, MONDO:0011535, OMIM 605289.
Ectrodactyly, ectodermal dysplasia, and cleft lip-palate syndrome 3. Also called: Ectrodactyly, Ectodermal Dysplasia, Clefting Syndrome; EEC SYNDROME 3; Ectrodactyly, Ectodermal Dysplasia, Clefting Syndrome Type 3 (EEC3); Ectrodactyly, Ectodermal Dysplasia, Cleft Lip/Palate Syndrome 3 (EEC3). Identifiers: Orphanet 1896, MedGen C1858562, MONDO:0011428, OMIM 604292.
Orofacial cleft 8. Also called: Cleft lip with or without cleft palate, nonsyndromic, 8. Identifiers: MedGen C1851878, MONDO:0029145, OMIM 618149.
Limb-mammary syndrome (LMS). Also called: Mammary hypoplasia, ectrodactyly, and other hand/foot anomalies. Identifiers: Orphanet 69085, MedGen C1863753, MONDO:0011334, OMIM 603543.
Premature ovarian failure 21 (POF21). Identifiers: MedGen C5830399, MONDO:0957216, OMIM 620311.

Allele frequency attached by ClinVar (database versions not stated): ESP Exome Variant Server 0.00008; 1000 Genomes Project 0.00020; gnomAD exomes 0.00004 and 0.00002; ExAC 0.00004; gnomAD 0.00009; TOPMed 0.00015; 1000 Genomes Project 30x 0.00016.
gnomAD v4.1: 38 of 1,614,084 alleles (0.0024%); highest among the groups gnomAD compares: African/African-American, 0.037%; no homozygotes.

Submissions (3):

Labcorp Genetics (formerly Invitae), Labcorp
Classification: Benign. Last evaluated: 2024-11-26. Review status: criteria provided, single submitter. Criteria: Invitae Variant Classification Sherloc (09022015). Collection method: clinical testing. Allele origin: germline.

Fulgent Genetics
Classification: Uncertain significance for ADULT syndrome; Ankyloblepharon-ectodermal defects-cleft lip/palate syndrome; Rapp-Hodgkin syndrome; Limb-mammary syndrome; Ectrodactyly, ectodermal dysplasia, and cleft lip-palate syndrome 3; Split hand-foot malformation 4; Orofacial cleft 8; Premature ovarian failure 21. Last evaluated: 2024-05-03. Review status: criteria provided, single submitter. Criteria: ACMG Guidelines, 2015. Collection method: clinical testing. Allele origin: germline.

GeneDx
Classification: Uncertain significance. Last evaluated: 2022-11-21. Review status: criteria provided, single submitter. Criteria: GeneDx Variant Classification Process June 2021. Collection method: clinical testing. Allele origin: germline. Affected: yes.
Comment: In silico analysis supports that this missense variant has a deleterious effect on protein structure/function; Has not been previously published as pathogenic or benign to our knowledge; Also known as p.P417L

NM_003722.5(TP63):c.1367C>T (p.Pro456Leu)

Gene: TP63 (tumor protein p63; plus strand). Cytogenetic location: 3q28.
Variant type: single nucleotide variant.
Coding change: c.1367C>T on transcript NM_003722.5 (MANE Select); coding-DNA position 1367, C replaced by T.
Protein change: p.Pro456Leu; replaces proline 456 with leucine.
Molecular consequence: missense variant.
Genome position (GRCh38, 1-based): chr3:189,886,411, C>T. VCF-style: chr3-189886411-C-T. GRCh37 (hg19) VCF-style: chr3-189604200-C-T.
Other names: c.1367C>T, p.Pro456Leu (NM_001114978.2, NM_001329144.2); c.1085C>T, p.Pro362Leu (NM_001114980.2, NM_001114981.2, NM_001329145.2); c.830C>T, p.Pro277Leu (NM_001329146.2); c.1355C>T, p.Pro452Leu (NM_001329148.2); c.1073C>T, p.Pro358Leu (NM_001329149.2); c.818C>T, p.Pro273Leu (NM_001329150.2); c.1361C>T, p.Pro454Leu (NM_001329964.2); short protein forms P273L, P277L, P358L, P362L, P452L, P454L, P456L.
Identifiers: ClinVar variation 1598420 (VCV001598420.9), dbSNP rs201479097, ClinGen allele CA2752472.